The following is an entry in ClinVar:

NM_013247.5(HTRA2):c.113T>C (p.Leu38Pro)

Gene: HTRA2 (HtrA serine peptidase 2; plus strand). Cytogenetic location: 2p13.1.
Variant type: single nucleotide variant.
Coding change: c.113T>C on transcript NM_013247.5 (MANE Select); coding-DNA position 113, T replaced by C.
Protein change: p.Leu38Pro; replaces leucine 38 with proline.
Molecular consequence: missense variant. On other transcripts: non-coding transcript variant (1).
Genome position (GRCh38, 1-based): chr2:74,530,119, T>C. VCF-style: chr2-74530119-T-C. GRCh37 (hg19) VCF-style: chr2-74757246-T-C.
Other names: c.113T>C, p.Leu38Pro (NM_001321727.1, NM_001321728.1, NM_145074.2); c.113T>C (NM_013247.4); short protein forms L38P.
Identifiers: ClinVar variation 1441037 (VCV001441037.9), dbSNP rs557990839, ClinGen allele CA1728287.
Genomic context (GRCh38, chr2:74,530,119, plus strand): 5'-GGGCTTTGGGGGGCATTCGCTGGGGGAGGAGACCCCGTTTGACCCCTGACCTCCGGGCCC[T>C]GCTGACGTCAGGAACTTCTGACCCCCGGGCCCGAGTGACTTATGGGACCCCCAGTCTCTG-3'
Protein context (NP_037379.1, residues 28-48): RPRLTPDLRA[Leu38Pro]LTSGTSDPRA

ClinVar aggregate classification (germline): Uncertain significance. Review status: criteria provided, multiple submitters, no conflicts (2 of 4 stars). 2 submissions from 2 submitters: Uncertain significance (2). Last evaluated 2025-11-24.

Conditions:
Inborn genetic diseases. Identifiers: MedGen C0950123, MeSH D030342.

Allele frequency attached by ClinVar (database versions not stated): gnomAD 0.00001 and 0.00005; gnomAD exomes 0.00003 and 0.00005; ExAC 0.00007; 1000 Genomes Project 0.00060; 1000 Genomes Project 30x 0.00062.
gnomAD v4.1: 51 of 1,610,844 alleles (0.0032%); highest among the groups gnomAD compares: South Asian, 0.053%; no homozygotes.

Submissions (2):

Ambry Genetics
Classification: Uncertain significance for Inborn genetic diseases. Last evaluated: 2025-11-24. Review status: criteria provided, single submitter. Criteria: Ambry Variant Classification Scheme 2023. Collection method: clinical testing. Allele origin: germline.

Labcorp Genetics (formerly Invitae), Labcorp
Classification: Uncertain significance. Last evaluated: 2023-06-09. Review status: criteria provided, single submitter. Criteria: Invitae Variant Classification Sherloc (09022015). Collection method: clinical testing. Allele origin: germline.
Comment: In summary, the available evidence is currently insufficient to determine the role of this variant in disease. Therefore, it has been classified as a Variant of Uncertain Significance. This variant is present in population databases (rs557990839, gnomAD 0.04%). This variant has not been reported in the literature in individuals affected with HTRA2-related conditions. This sequence change replaces leucine, which is neutral and non-polar, with proline, which is neutral and non-polar, at codon 38 of the HTRA2 protein (p.Leu38Pro). An algorithm developed to predict the effect of missense changes on protein structure and function (PolyPhen-2) suggests that this variant is likely to be disruptive. ClinVar contains an entry for this variant (Variation ID: 1441037).